The following is an entry in ClinVar:

NM_194248.3(OTOF):c.4087G>A (p.Glu1363Lys)

Gene: OTOF (otoferlin; minus strand). Cytogenetic location: 2p23.3.
Variant type: single nucleotide variant.
Coding change: c.4087G>A on transcript NM_194248.3 (MANE Select); coding-DNA position 4087, G replaced by A.
Protein change: p.Glu1363Lys; replaces glutamic acid 1363 with lysine.
Molecular consequence: missense variant.
Genome position (GRCh38, 1-based): chr2:26,468,411, C>T on the plus strand (G>A on the coding strand, the complement: OTOF is on the minus strand). VCF-style: chr2-26468411-C-T. GRCh37 (hg19) VCF-style: chr2-26691279-C-T.
Other names: c.4087G>A, p.Glu1363Lys (NM_001287489.2); c.4087G>A (NM_194248.2); c.1786G>A, p.Glu596Lys (NM_004802.4, NM_194323.3); c.2017G>A, p.Glu673Lys (NM_194322.3); short protein forms E1363K, E673K, E596K.
Identifiers: ClinVar variation 1404285 (VCV001404285.8), dbSNP rs769620123, ClinGen allele CA1563305.

ClinVar aggregate classification (germline): Uncertain significance. Review status: criteria provided, multiple submitters, no conflicts (2 of 4 stars). 5 submissions from 5 submitters: Uncertain significance (5). Last evaluated 2026-04-17.

Conditions:
OTOF-related disorder. Also called: OTOF-related condition.
Inborn genetic diseases. Identifiers: MedGen C0950123, MeSH D030342.

Allele frequency attached by ClinVar (database versions not stated): gnomAD exomes below 0.00001; ExAC 0.00002; gnomAD 0.00008.
gnomAD v4.1: 25 of 1,613,288 alleles (0.0015%); highest among the groups gnomAD compares: Admixed American, 0.02%; 1 homozygote.

Submissions (5):

PreventionGenetics, part of Exact Sciences
Classification: Uncertain significance for OTOF-related condition. Last evaluated: 2026-04-17. Review status: criteria provided, single submitter. Criteria: ACMG Guidelines, 2015. Collection method: clinical testing. Allele origin: germline.
Comment: The OTOF c.4087G>A variant is predicted to result in the amino acid substitution p.Glu1363Lys. To our knowledge, this variant has not been reported in the literature. This variant is reported in 0.0029% of alleles in individuals of Latino descent in gnomAD. At this time, the clinical significance of this variant is uncertain due to the absence of conclusive functional and genetic evidence.

GeneDx
Classification: Uncertain significance. Last evaluated: 2026-02-25. Review status: criteria provided, single submitter. Criteria: GeneDx Variant Classification Process June 2021. Collection method: clinical testing. Allele origin: germline.
Comment: Not observed at significant frequency in large population cohorts (gnomAD); In silico analysis suggests that this missense variant does not alter protein structure/function; Has not been previously published as pathogenic or benign to our knowledge

Blueprint Genetics
Classification: Uncertain significance. Last evaluated: 2024-09-12. Review status: criteria provided, single submitter. Criteria: ACMG Guidelines, 2015. Collection method: clinical testing. Allele origin: germline.

Ambry Genetics
Classification: Uncertain significance for Inborn genetic diseases. Last evaluated: 2021-11-29. Review status: criteria provided, single submitter. Criteria: Ambry Variant Classification Scheme 2023. Collection method: clinical testing. Allele origin: germline.

Labcorp Genetics (formerly Invitae), Labcorp
Classification: Uncertain significance. Last evaluated: 2021-10-09. Review status: criteria provided, single submitter. Criteria: Invitae Variant Classification Sherloc (09022015). Collection method: clinical testing. Allele origin: germline.
Comment: This sequence change replaces glutamic acid with lysine at codon 1363 of the OTOF protein (p.Glu1363Lys). The glutamic acid residue is highly conserved and there is a small physicochemical difference between glutamic acid and lysine. This variant is present in population databases (rs769620123, ExAC 0.02%). This variant has not been reported in the literature in individuals affected with OTOF-related conditions. Algorithms developed to predict the effect of missense changes on protein structure and function are either unavailable or do not agree on the potential impact of this missense change (SIFT: "Deleterious"; PolyPhen-2: "Benign"; Align-GVGD: "Class C15"). In summary, the available evidence is currently insufficient to determine the role of this variant in disease. Therefore, it has been classified as a Variant of Uncertain Significance.